The following is an entry in ClinVar:

NM_015662.3(IFT172):c.702T>C (p.Tyr234=)

Gene: IFT172 (intraflagellar transport 172; minus strand). Cytogenetic location: 2p23.3.
Variant type: single nucleotide variant.
Coding change: c.702T>C on transcript NM_015662.3 (MANE Select); coding-DNA position 702, T replaced by C.
Protein change: p.Tyr234=; no amino-acid change (tyrosine 234 retained).
Molecular consequence: synonymous variant.
Genome position (GRCh38, 1-based): chr2:27,481,129, A>G on the plus strand (T>C on the coding strand, the complement: IFT172 is on the minus strand). VCF-style: chr2-27481129-A-G. GRCh37 (hg19) VCF-style: chr2-27703996-A-G.
Other names: c.702T>C, p.Tyr234= (NM_001410739.1).
Identifiers: ClinVar variation 2170316 (VCV002170316.4), dbSNP rs1668326909, ClinGen allele CA425414173.
Genomic context (GRCh38, chr2:27,481,129, plus strand): 5'-AGACTGGCCCCCAGGACTTGATACAGCTGTGGTGAACTCCCGCTCCTGAGGGTCACGGCT[A>G]TAATCAAAAGTTTGTAGCATGTGACCTTCTTTTCCATAGGCTACAATTTTCCGATCACAG-3'
Protein context (NP_056477.1, residues 224-244): KEGHMLQTFD[Tyr234=]SRDPQEREFT

ClinVar aggregate classification (germline): Uncertain significance (1 of 4 stars; one submission).

Conditions:
Short-rib thoracic dysplasia 10 with or without polydactyly (SRTD10). Identifiers: Orphanet 474, MedGen C3810175, MONDO:0014284, OMIM 615630.
Retinitis pigmentosa 71 (RP71). Identifiers: Orphanet 791, MedGen C4225342, MONDO:0014618, OMIM 616394.

Allele frequency attached by ClinVar (database versions not stated): gnomAD exomes below 0.00001; gnomAD 0.00001.
gnomAD v4.1: 2 of 1,613,910 alleles (0.00012%); highest among the groups gnomAD compares: African/African-American, 0.0027%; no homozygotes.

Submission:

Labcorp Genetics (formerly Invitae), Labcorp
Classification: Uncertain significance for Retinitis pigmentosa 71; Short-rib thoracic dysplasia 10 with or without polydactyly. Last evaluated: 2022-07-24. Review status: criteria provided, single submitter. Criteria: Invitae Variant Classification Sherloc (09022015). Collection method: clinical testing. Allele origin: germline.
Comment: In summary, the available evidence is currently insufficient to determine the role of this variant in disease. Therefore, it has been classified as a Variant of Uncertain Significance. Algorithms developed to predict the effect of sequence changes on RNA splicing suggest that this variant may create or strengthen a splice site. This variant has not been reported in the literature in individuals affected with IFT172-related conditions. This variant is not present in population databases (gnomAD no frequency). This sequence change affects codon 234 of the IFT172 mRNA. It is a 'silent' change, meaning that it does not change the encoded amino acid sequence of the IFT172 protein.